The following is an entry in ClinVar:

NM_020207.7(ERCC6L2):c.1907C>A (p.Thr636Asn)

Gene: ERCC6L2 (ERCC excision repair 6 like 2; plus strand). Cytogenetic location: 9q22.32.
Variant type: single nucleotide variant.
Coding change: c.1907C>A on transcript NM_020207.7 (MANE Select); coding-DNA position 1907, C replaced by A.
Protein change: p.Thr636Asn; replaces threonine 636 with asparagine.
Molecular consequence: missense variant. On other transcripts: non-coding transcript variant (1).
Genome position (GRCh38, 1-based): chr9:95,955,973, C>A. VCF-style: chr9-95955973-C-A. GRCh37 (hg19) VCF-style: chr9-98718255-C-A.
Other names: c.1907C>A, p.Thr636Asn (NM_001010895.4, NM_001375291.1, NM_001375292.1 and 2 more transcripts); short protein forms T636N.
Identifiers: ClinVar variation 4019357 (VCV004019357.1).

ClinVar aggregate classification (germline): Uncertain significance (1 of 4 stars; one submission).

Conditions:
Inborn genetic diseases. Identifiers: MedGen C0950123, MeSH D030342.

Submission:

Ambry Genetics
Classification: Uncertain significance for Inborn genetic diseases. Last evaluated: 2025-05-16. Review status: criteria provided, single submitter. Criteria: Ambry Variant Classification Scheme 2023. Collection method: clinical testing. Allele origin: germline.
Comment: The p.T636N variant (also known as c.1907C>A), located in coding exon 13 of the ERCC6L2 gene, results from a C to A substitution at nucleotide position 1907. The threonine at codon 636 is replaced by asparagine, an amino acid with similar properties. This amino acid position is conserved. In addition, the in silico prediction for this alteration is inconclusive. Based on the available evidence, the clinical significance of this variant remains unclear.